The following is an entry in ClinVar:

NM_001267550.2(TTN):c.76095_76096del (p.Arg25365fs)

Genes: TTN-AS1 (TTN antisense RNA 1; plus strand), TTN (titin; minus strand). Cytogenetic location: 2q31.2.
Variant type: Microsatellite.
Coding change: c.76095_76096del on transcript NM_001267550.2 (MANE Select); coding-DNA positions 76095 to 76096, 2 bases deleted (AG; older notation c.76095_76096delAG).
Protein change: p.Arg25365fs; shifts the reading frame from arginine 25365.
Molecular consequence: frameshift variant.
Genome position (GRCh38, 1-based): chr2:178,570,036-178,570,037, CT deleted on the plus strand (AG on the coding strand, the reverse complement: TTN is on the minus strand); deleting any 2 consecutive bases within chr2:178,570,036-178,570,040 gives the same sequence; the c. name uses the placement nearest the transcript's 3' end. VCF-style (leftmost placement, unchanged base first): chr2-178570035-ACT-A. GRCh37 (hg19) VCF-style: chr2-179434762-ACT-A.
Other names: c.71172_71173del, p.Arg23724fs (NM_001256850.1); c.48900_48901del, p.Arg16300fs (NM_003319.4); c.68391_68392del, p.Arg22797fs (NM_133378.4); c.49275_49276del, p.Arg16425fs (NM_133432.3); c.49476_49477del, p.Arg16492fs (NM_133437.4); short protein forms R16300fs, R16425fs, R16492fs, R22797fs, R23724fs, R25365fs.
Identifiers: ClinVar variation 3757936 (VCV003757936.3).
Genomic context (GRCh38, chr2:178,570,035, plus strand): 5'-CCAGCAGCATTCTCAGCAGAAACTCTGAACTCATAATCGTGATTTTCTATGAGTCCAGTT[ACT>A]CTCAGGCGCAACTCTCCAATCAGACGCTTATGGCATCTTGTCCATCTAATGCCTTCTTTA-3'

ClinVar aggregate classification (germline): Likely pathogenic. Review status: criteria provided, multiple submitters, no conflicts (2 of 4 stars). 2 submissions from 2 submitters: Likely pathogenic (2). Last evaluated 2024-12-04.

Conditions:
Dilated cardiomyopathy 1G (CMD1G). Identifiers: Orphanet 154, MedGen C1858763, MONDO:0011400, OMIM 604145.
Autosomal recessive limb-girdle muscular dystrophy type 2J (LGMDR10). Also called: Limb-girdle muscular dystrophy, type 2J; MUSCULAR DYSTROPHY, LIMB-GIRDLE, AUTOSOMAL RECESSIVE 10. Identifiers: Orphanet 140922, MedGen C1837342, MONDO:0012127, OMIM 608807.

Submissions (2):

Revvity Omics, Revvity
Classification: Likely pathogenic. Last evaluated: 2024-12-04. Review status: criteria provided, single submitter. Criteria: ACMG Guidelines, 2015. Collection method: clinical testing. Allele origin: germline.

Labcorp Genetics (formerly Invitae), Labcorp
Classification: Likely pathogenic for Dilated cardiomyopathy 1G; Autosomal recessive limb-girdle muscular dystrophy type 2J. Last evaluated: 2024-09-09. Review status: criteria provided, single submitter. Criteria: Invitae Variant Classification Sherloc (09022015). Collection method: clinical testing. Allele origin: germline.
Comment: This sequence change creates a premature translational stop signal (p.Arg25365Serfs*11) in the TTN gene. While this is not anticipated to result in nonsense mediated decay, it is expected to create a truncated TTN protein. This variant is not present in population databases (gnomAD no frequency). This variant has not been reported in the literature in individuals affected with TTN-related conditions. This variant is located in the A band of TTN (PMID: 25589632). Truncating variants in this region are significantly overrepresented in patients affected with dilated cardiomyopathy (PMID: 25589632). Truncating variants in this region have also been reported in individuals affected with autosomal recessive centronuclear myopathy (PMID: 23975875). In summary, the currently available evidence indicates that the variant is pathogenic, but additional data are needed to prove that conclusively. Therefore, this variant has been classified as Likely Pathogenic.

Literature cited by the submitters: PubMed 25589632 (cited by Labcorp Genetics (formerly Invitae), Labcorp); PubMed 23975875 (cited by Labcorp Genetics (formerly Invitae), Labcorp).